The following is an entry in ClinVar:

ClinVar aggregate classification (germline): Benign/Likely benign. Review status: criteria provided, multiple submitters, no conflicts (2 of 4 stars). 15 submissions from 15 submitters: Benign (13); Likely benign (1). 1 of the submissions does not count toward it. Last evaluated 2026-02-01.

Conditions:
Becker muscular dystrophy (BMD). Also called: MUSCULAR DYSTROPHY, PSEUDOHYPERTROPHIC PROGRESSIVE, BECKER TYPE; Becker Muscular Dystrophy (BMD). Identifiers: Orphanet 98895, MedGen C0917713, MONDO:0010311, OMIM 300376.
Duchenne muscular dystrophy (DMD). Also called: Duchenne Muscular Dystrophy (DMD); MUSCULAR DYSTROPHY, PSEUDOHYPERTROPHIC PROGRESSIVE, DUCHENNE TYPE. Identifiers: Orphanet 98896, MedGen C0013264, MONDO:0010679, OMIM 310200.
Cardiomyopathy (CMYO). Also called: Cardiomyopathies. Identifiers: Orphanet 167848, MedGen C0878544, MONDO:0004994, HP:0001638. Inheritance: Various modes of inheritance.
Dystrophin deficiency.
Dilated cardiomyopathy 3B (CMD3B). Also called: CMD3B: DMD-Related Dilated Cardiomyopathy; CARDIOMYOPATHY, DILATED, X-LINKED; DMD-Associated Dilated Cardiomyopathy. Identifiers: Orphanet 154, MedGen C3668940, MONDO:0010542, OMIM 302045.
Cardiovascular phenotype. Identifiers: MedGen CN230736.

Allele frequency attached by ClinVar (database versions not stated): gnomAD exomes 0.00056 and 0.00159; ExAC 0.00213; gnomAD 0.00585 and 0.00626; 1000 Genomes Project 0.00636; 1000 Genomes Project 30x 0.00666; TOPMed 0.00707; ESP Exome Variant Server 0.00833.
gnomAD v4.1: 1,290 of 1,207,387 alleles (0.11%); highest among the groups gnomAD compares: African/African-American, 2%; 8 homozygotes.

Submissions (15):

Labcorp Genetics (formerly Invitae), Labcorp
Classification: Benign for Duchenne muscular dystrophy. Last evaluated: 2026-02-01. Review status: criteria provided, single submitter. Criteria: Invitae Variant Classification Sherloc (09022015). Collection method: clinical testing. Allele origin: germline.

Mayo Clinic Laboratories, Mayo Clinic
Classification: Benign. Last evaluated: 2025-10-02. Review status: criteria provided, single submitter. Criteria: ACMG Guidelines, 2015. Collection method: clinical testing. Allele origin: germline. Observed: 8 variant alleles.
Comment: BS1, BS2, BP4, BP7

Molecular Diagnostic Laboratory for Inherited Cardiovascular Disease, Montreal Heart Institute
Classification: Benign. Last evaluated: 2025-04-09. Review status: criteria provided, single submitter. Criteria: ACMG Guidelines, 2015. Collection method: clinical testing. Allele origin: germline. Affected: no.

ARUP Laboratories, Molecular Genetics and Genomics, ARUP Laboratories
Classification: Benign. Last evaluated: 2025-04-08. Review status: criteria provided, single submitter. Criteria: ARUP Molecular Germline Variant Investigation Process 2024. Collection method: clinical testing. Allele origin: germline.

Blueprint Genetics
Classification: Likely benign. Last evaluated: 2024-07-19. Review status: criteria provided, single submitter. Criteria: ACMG Guidelines, 2015. Collection method: clinical testing. Allele origin: germline.

Women's Health and Genetics/Laboratory Corporation of America, LabCorp
Classification: Benign. Last evaluated: 2023-08-19. Review status: criteria provided, single submitter. Criteria: LabCorp Variant Classification Summary - May 2015. Collection method: clinical testing. Allele origin: germline.

Fulgent Genetics
Classification: Benign for Becker muscular dystrophy; Dilated cardiomyopathy 3B; Duchenne muscular dystrophy. Last evaluated: 2021-08-18. Review status: criteria provided, single submitter. Criteria: ACMG Guidelines, 2015. Collection method: clinical testing. Allele origin: unknown.

Illumina Laboratory Services, Illumina
Classification: Benign for Dilated cardiomyopathy 3B. Last evaluated: 2018-01-13. Review status: criteria provided, single submitter. Criteria: ICSL Variant Classification Criteria 13 December 2019. Collection method: clinical testing. Allele origin: germline.
Comment: This variant was observed in the ICSL laboratory as part of a predisposition screen in an ostensibly healthy population. It had not been previously curated by ICSL or reported in the Human Gene Mutation Database (HGMD: prior to June 1st, 2018), and was therefore a candidate for classification through an automated scoring system. Utilizing variant allele frequency, disease prevalence and penetrance estimates, and inheritance mode, an automated score was calculated to assess if this variant is too frequent to cause the disease. Based on the score and internal cut-off values, a variant classified as benign is not then subjected to further curation. The score for this variant resulted in a classification of benign for this disease.

Ambry Genetics
Classification: Benign for Cardiovascular phenotype. Last evaluated: 2016-03-15. Review status: criteria provided, single submitter. Criteria: Ambry Variant Classification Scheme 2023. Collection method: clinical testing. Allele origin: germline.

Laboratory for Molecular Medicine, Mass General Brigham Personalized Medicine
Classification: Benign. Last evaluated: 2015-01-13. Review status: criteria provided, single submitter. Criteria: LMM Criteria. Collection method: clinical testing. Allele origin: germline. Observed: 1 variant allele.
Comment: p.Val2492Val in exon 51 of DMD: This variant is not expected to have clinical si gnificance because it does not alter an amino acid residue and is not located wi thin the splice consensus sequence. It has been identified in 2.3% (87/3833) of African American chromosomes by the NHLBI Exome Sequencing Project (s.; dbSNP rs142153424).

Eurofins Ntd Llc (ga)
Classification: Benign. Last evaluated: 2014-07-22. Review status: criteria provided, single submitter. Criteria: EGL Classification Definitions 2015. Collection method: clinical testing. Allele origin: germline. Observed: 4 variant alleles, 3 heterozygotes, 1 hemizygote.

GeneDx
Classification: Benign. Last evaluated: 2014-03-18. Review status: criteria provided, single submitter. Criteria: GeneDx Variant Classification (06012015). Collection method: clinical testing. Allele origin: germline. Affected: yes.
Comment: This variant is considered likely benign or benign based on one or more of the following criteria: it is a conservative change, it occurs at a poorly conserved position in the protein, it is predicted to be benign by multiple in silico algorithms, and/or has population frequency not consistent with disease.

Breakthrough Genomics
Classification: Benign. Review status: criteria provided, single submitter. Criteria: ACMG Guidelines, 2015. Collection method: not provided. Allele origin: germline. Inheritance: X-linked inheritance. Affected: yes.

PreventionGenetics, part of Exact Sciences
Classification: Benign. Review status: criteria provided, single submitter. Criteria: ACMG Guidelines, 2015. Collection method: clinical testing. Allele origin: germline.

Natera, Inc.
Classification: Likely benign for Becker muscular dystrophy; Cardiomyopathy; Duchenne muscular dystrophy; Dystrophin deficiency. Last evaluated: 2017-04-20. Review status: no assertion criteria provided. Collection method: clinical testing. Allele origin: germline. Not counted in ClinVar's aggregate classification.

NM_004006.3(DMD):c.7476T>C (p.Val2492=)

Gene: DMD (dystrophin; minus strand). Cytogenetic location: Xp21.1.
Variant type: single nucleotide variant.
Coding change: c.7476T>C on transcript NM_004006.3 (MANE Select); coding-DNA position 7476, T replaced by C.
Protein change: p.Val2492=; no amino-acid change (valine 2492 retained).
Molecular consequence: synonymous variant.
Genome position (GRCh38, 1-based): chrX:31,774,026, A>G on the plus strand (T>C on the coding strand, the complement: DMD is on the minus strand). VCF-style: chrX-31774026-A-G. GRCh37 (hg19) VCF-style: chrX-31792143-A-G.
Other names: p.V2492V:GTT>GTC; p.Val2492=; c.7452T>C, p.Val2484= (NM_000109.4); c.7464T>C, p.Val2488= (NM_004009.3); c.7107T>C, p.Val2369= (NM_004010.3); c.3453T>C, p.Val1151= (NM_004011.4); c.3444T>C, p.Val1148= (NM_004012.4); c.96T>C, p.Val32= (NM_004013.3, NM_004020.4, NM_004021.3 and 2 more transcripts).
Identifiers: ClinVar variation 94765 (VCV000094765.40), dbSNP rs142153424, ClinGen allele CA285601.
Genomic context (GRCh38, chrX:31,774,026, plus strand): 5'-CTTGATGATCATCTCGTTGATATCCTCAAGGTCACCCACCATCACCCTCTGTGATTTTAT[A>G]ACTTGATCAAGCAGAGAAAGCCAGTCGGTAAGTTCTGTCCAAGCCCGGTTGAAATCTGCC-3'
Protein context (NP_003997.2, residues 2482-2502): LTDWLSLLDQ[Val2492=]IKSQRVMVGD